The following is an entry in ClinVar:

ClinVar aggregate classification (germline): Benign/Likely benign. Review status: criteria provided, multiple submitters, no conflicts (2 of 4 stars). 2 submissions from 2 submitters: Benign (1); Likely benign (1). Last evaluated 2023-09-14.

Allele frequency attached by ClinVar (database versions not stated): gnomAD exomes 0.00155 and 0.00495.

Submissions (2):

Mayo Clinic Laboratories, Mayo Clinic
Classification: Benign. Last evaluated: 2023-09-14. Review status: criteria provided, single submitter. Criteria: ACMG Guidelines, 2015. Collection method: clinical testing. Allele origin: germline. Observed: 7 variant alleles.
Comment: BS1, BS2

GeneDx
Classification: Likely benign. Last evaluated: 2018-07-14. Review status: criteria provided, single submitter. Criteria: GeneDx Variant Classification Process June 2021. Collection method: clinical testing. Allele origin: germline. Affected: yes.

NM_001365276.2(TNXB):c.11803G>A (p.Ala3935Thr)

Genes: TNXB (tenascin XB; minus strand), LOC106780803 (tenascin XB recombination region; plus strand). Cytogenetic location: 6p21.33.
Variant type: single nucleotide variant.
Coding change: c.11803G>A on transcript NM_001365276.2 (MANE Select); coding-DNA position 11803, G replaced by A.
Protein change: p.Ala3935Thr; replaces alanine 3935 with threonine.
Molecular consequence: missense variant.
Genome position (GRCh38, 1-based): chr6:32,043,073, C>T on the plus strand (G>A on the coding strand, the complement: TNXB is on the minus strand). VCF-style: chr6-32043073-C-T. GRCh37 (hg19) VCF-style: chr6-32010850-C-T.
Other names: p.Ala3933Thr; c.11797G>A, p.Ala3933Thr (NM_019105.8); c.1090G>A, p.Ala364Thr (NM_032470.4); short protein forms A364T, A3933T, A3935T.
Identifiers: ClinVar variation 1197774 (VCV001197774.3), dbSNP rs1382326555, ClinGen allele CA363521642.